The following is an entry in ClinVar:

NM_017617.5(NOTCH1):c.2740+1G>A

Gene: NOTCH1 (notch receptor 1; minus strand). Cytogenetic location: 9q34.3.
Variant type: single nucleotide variant.
Coding change: c.2740+1G>A on transcript NM_017617.5 (MANE Select); the canonical splice donor site of the intron after coding-DNA position 2740, G replaced by A.
Molecular consequence: splice donor variant.
Genome position (GRCh38, 1-based): chr9:136,510,652, C>T on the plus strand (G>A on the coding strand, the complement: NOTCH1 is on the minus strand). VCF-style: chr9-136510652-C-T. GRCh37 (hg19) VCF-style: chr9-139405104-C-T.
Identifiers: ClinVar variation 5007421 (VCV005007421.2).

ClinVar aggregate classification (germline): Uncertain significance (1 of 4 stars; one submission).

Conditions:
Aortic valve disease 1 (AOVD1). Identifiers: MedGen C3887892, MONDO:0024523, OMIM 109730.
Adams-Oliver syndrome 5 (AOS5). Identifiers: Orphanet 974, MedGen C4014970, MONDO:0014459, OMIM 616028.

Submission:

Juno Genomics, Hangzhou Juno Genomics, Inc
Classification: Uncertain significance for Adams-Oliver syndrome 5; Aortic valve disease 1. Review status: criteria provided, single submitter. Criteria: ACMG Guidelines, 2015. Collection method: clinical testing. Allele origin: germline.
Comment: Null variant in a gene where loss of function (LOF) is a known mechanism of disease.;Absent from controls (or at extremely low frequency if recessive) in Genome Aggregation Database.